The following is an entry in ClinVar:

NM_080669.6(SLC46A1):c.598G>A (p.Gly200Ser)

Gene: SLC46A1 (solute carrier family 46 member 1; minus strand). Cytogenetic location: 17q11.2.
Variant type: single nucleotide variant.
Coding change: c.598G>A on transcript NM_080669.6 (MANE Select); coding-DNA position 598, G replaced by A.
Protein change: p.Gly200Ser; replaces glycine 200 with serine.
Molecular consequence: missense variant.
Genome position (GRCh38, 1-based): chr17:28,405,099, C>T on the plus strand (G>A on the coding strand, the complement: SLC46A1 is on the minus strand). VCF-style: chr17-28405099-C-T. GRCh37 (hg19) VCF-style: chr17-26732117-C-T.
Other names: c.598G>A, p.Gly200Ser (NM_001242366.3); short protein forms G200S.
Identifiers: ClinVar variation 2002347 (VCV002002347.4), dbSNP rs2508291970, ClinGen allele CA398350418.

ClinVar aggregate classification (germline): Uncertain significance (1 of 4 stars; one submission).

Submission:

Labcorp Genetics (formerly Invitae), Labcorp
Classification: Uncertain significance. Last evaluated: 2022-06-03. Review status: criteria provided, single submitter. Criteria: Invitae Variant Classification Sherloc (09022015). Collection method: clinical testing. Allele origin: germline.
Comment: Experimental studies and prediction algorithms are not available or were not evaluated, and the functional significance of this variant is currently unknown. In summary, the available evidence is currently insufficient to determine the role of this variant in disease. Therefore, it has been classified as a Variant of Uncertain Significance. This variant has not been reported in the literature in individuals affected with SLC46A1-related conditions. This variant is not present in population databases (gnomAD no frequency). This sequence change replaces glycine, which is neutral and non-polar, with serine, which is neutral and polar, at codon 200 of the SLC46A1 protein (p.Gly200Ser).